The following is an entry in ClinVar:

ClinVar aggregate classification (germline): Pathogenic (1 of 4 stars; one submission).

Conditions:
Galactosemia. Also called: Galactose intolerance. Identifiers: Orphanet 352, MedGen C0016952, MONDO:0018116, HP:0004919. Disease mechanism: loss of function.

Submission:

Natera, Inc.
Classification: Pathogenic for Galactosemia. Last evaluated: 2024-05-16. Review status: criteria provided, single submitter. Criteria: Natera Variant Classification Schema (03/2026). Collection method: clinical testing. Allele origin: germline.
Comment: The c.396C>G variant in GALT is a missense variant predicted to cause substitution of histidine to glutamine at amino acid 132. This variant is rare in the general population with a frequency below the threshold expected for the associated phenotype(s). This variant has been observed in one or more individuals affected with the associated recessive disease, as either homozygous or compound heterozygous with a second variant (PMID: 32903656). Another variant at this same site results in an alteration predicted to cause a similar molecular effect has been observed in individual(s) with the associated phenotype. A different variant at the same position has been determined to be Pathogenic or Likely Pathogenic. Computational prediction algorithms indicate this variant is likely to affect gene or protein function. Given the available evidence, this variant is classified as Pathogenic.

Literature cited by the submitters: PubMed 32903656.

NM_000155.4(GALT):c.396C>G (p.His132Gln)

Gene: GALT (galactose-1-phosphate uridylyltransferase; plus strand). Cytogenetic location: 9p13.3.
Variant type: single nucleotide variant.
Coding change: c.396C>G on transcript NM_000155.4 (MANE Select); coding-DNA position 396, C replaced by G.
Protein change: p.His132Gln; replaces histidine 132 with glutamine.
Molecular consequence: missense variant.
Genome position (GRCh38, 1-based): chr9:34,647,850, C>G. VCF-style: chr9-34647850-C-G. GRCh37 (hg19) VCF-style: chr9-34647847-C-G.
Other names: c.69C>G, p.His23Gln (NM_001258332.2); short protein forms H132Q, H23Q.
Identifiers: ClinVar variation 4817628 (VCV004817628.1).
Genomic context (GRCh38, chr9:34,647,850, plus strand): 5'-AAGCCCTACCTCTCGGTTATCTTTTCTCCCGTCACCACCCAGTAAGGTCATGTGCTTCCA[C>G]CCCTGGTCGGATGTAACGCTGCCACTCATGTCGGTCCCTGAGATCCGGGCTGTTGTTGAT-3'
Protein context (NP_000146.2, residues 122-142): ARGVCKVMCF[His132Gln]PWSDVTLPLM